The following is an entry in ClinVar:

NM_000089.4(COL1A2):c.1391AAG[1] (p.Glu465del)

Gene: COL1A2 (collagen type I alpha 2 chain; plus strand). Cytogenetic location: 7q21.3.
Variant type: Microsatellite.
Coding change: c.1391AAG[1] on transcript NM_000089.4 (MANE Select); one copy of the 3-base unit AAG starting at c.1391; the reference has two copies in a row; one copy, 3 bases deleted.
Protein change: p.Glu465del; deletes glutamic acid 465.
Molecular consequence: inframe deletion.
Genome position (GRCh38, 1-based): chr7:94,412,111-94,412,113, AAG deleted; deleting any 3 consecutive bases within chr7:94,412,108-94,412,113 gives the same sequence; the position shown is the placement nearest the transcript's 3' end. VCF-style (leftmost placement, unchanged base first): chr7-94412107-AAAG-A. GRCh37 (hg19) VCF-style: chr7-94041419-AAAG-A.
Other names: short protein forms E465del.
Identifiers: ClinVar variation 842239 (VCV000842239.11), dbSNP rs1791941199, ClinGen allele CA916081496.

ClinVar aggregate classification (germline): Likely pathogenic (1 of 4 stars; one submission).

Conditions:
Osteogenesis imperfecta type I (OI1). Also called: Lobstein's Disease; Classic Non-deforming Osteogenesis Imperfecta with Blue Sclerae; Lobstein disease; OI, TYPE I; OSTEOGENESIS IMPERFECTA TARDA; OSTEOGENESIS IMPERFECTA WITH BLUE SCLERAE. Identifiers: Orphanet 216796, Orphanet 666, MedGen C0023931, MONDO:0008146, OMIM 166200. Disease mechanism: loss of function.
Ehlers-Danlos syndrome, classic type, 1 (EDSCL1). Also called: Ehlers-Danlos syndrome, type 1; Ehlers-Danlos Syndrome, Classic Type, COL5A1-Related; EDS I; EHLERS-DANLOS SYNDROME, GRAVIS TYPE; EHLERS-DANLOS SYNDROME, SEVERE CLASSIC TYPE. Identifiers: MedGen C0268335, MONDO:0019567, OMIM 130000.

Submission:

Labcorp Genetics (formerly Invitae), Labcorp
Classification: Likely pathogenic for Osteogenesis imperfecta type I; Ehlers-Danlos syndrome, classic type, 1. Last evaluated: 2019-02-10. Review status: criteria provided, single submitter. Criteria: Invitae Variant Classification Sherloc (09022015). Collection method: clinical testing. Allele origin: germline.
Comment: This variant, c.1394_1396del, results in the deletion of 1 amino acid of the COL1A2 protein (p.Glu465del), but otherwise preserves the integrity of the reading frame. Experimental studies and prediction algorithms are not available for this specific variant. However, Glycine residues within the Gly-Xaa-Yaa repeats of the triple helix domain are required for the structure and stability of fibrillar collagens (PMID: 7695699, 8218237, 19344236). In COL1A2, missense variants at these glycine residues and in-frame deletions disrupting these regular Gly-Xaa-Yaa repeats are significantly enriched in individuals with disease (PMID: 9016532, 17078022) compared to the general population (ExAC). This variant has not been reported in the literature in individuals with COL1A2-related conditions. This variant is not present in population databases (ExAC no frequency). In summary, this variant is a novel single amino acid in-frame deletion affecting a domain that is critical for normal protein structure, stability and function. This type of in-frame deletion is also highly enriched in affected individuals and expected to be pathogenic. However, without additional functional and/or genetic data, this variant has been classified as Likely Pathogenic.

Literature cited by the submitters: PubMed 7695699; PubMed 8218237; PubMed 19344236; PubMed 9016532; PubMed 17078022.